The following is an entry in ClinVar:

ClinVar aggregate classification (germline): Uncertain significance. Review status: criteria provided, multiple submitters, no conflicts (2 of 4 stars). 3 submissions from 3 submitters: Uncertain significance (3). Last evaluated 2025-03-31.

Allele frequency attached by ClinVar (database versions not stated): gnomAD exomes below 0.00001 and 0.00002; ExAC 0.00004; gnomAD 0.00009; TOPMed 0.00009.

Submissions (3):

Labcorp Genetics (formerly Invitae), Labcorp
Classification: Uncertain significance. Last evaluated: 2025-03-31. Review status: criteria provided, single submitter. Criteria: Invitae Variant Classification Sherloc (09022015). Collection method: clinical testing. Allele origin: germline.
Comment: This sequence change creates a premature translational stop signal (p.Ser548Profs*18) in the FLVCR1 gene. While this is not anticipated to result in nonsense mediated decay, it is expected to disrupt the last 8 amino acid(s) of the FLVCR1 protein. This variant is present in population databases (rs766024598, gnomAD 0.02%). This variant has not been reported in the literature in individuals affected with FLVCR1-related conditions. ClinVar contains an entry for this variant (Variation ID: 804812). Experimental studies and prediction algorithms are not available or were not evaluated, and the functional significance of this variant is currently unknown. In summary, the available evidence is currently insufficient to determine the role of this variant in disease. Therefore, it has been classified as a Variant of Uncertain Significance.

Athena Diagnostics
Classification: Uncertain significance. Last evaluated: 2024-09-10. Review status: criteria provided, single submitter. Criteria: Athena Diagnostics Criteria. Collection method: clinical testing. Allele origin: unknown.

Blueprint Genetics
Classification: Uncertain significance. Last evaluated: 2022-05-17. Review status: criteria provided, single submitter. Criteria: ACMG Guidelines, 2015. Collection method: clinical testing. Allele origin: germline.

NM_014053.4(FLVCR1):c.1642del (p.Ser548fs)

Gene: FLVCR1 (FLVCR choline and heme transporter 1; plus strand). Cytogenetic location: 1q32.3.
Variant type: Deletion.
Coding change: c.1642del on transcript NM_014053.4 (MANE Select); coding-DNA position 1642, one base deleted (T; older notation c.1642delT).
Protein change: p.Ser548fs; shifts the reading frame from serine 548.
Molecular consequence: frameshift variant.
Genome position (GRCh38, 1-based): chr1:212,895,264, T deleted. VCF-style (leftmost placement, unchanged base first): chr1-212895263-GT-G. GRCh37 (hg19) VCF-style: chr1-213068605-GT-G.
Other names: short protein forms S548fs.
Identifiers: ClinVar variation 804812 (VCV000804812.11), dbSNP rs766024598, ClinGen allele CA1386228.